The following is an entry in ClinVar:

ClinVar aggregate classification (germline): Uncertain significance. Review status: criteria provided, multiple submitters, no conflicts (2 of 4 stars). 2 submissions from 2 submitters: Uncertain significance (2). Last evaluated 2024-09-04.

Conditions:
Dystonia 9 (DYT9). Also called: CHOREOATHETOSIS, KINESIGENIC, WITH EPISODIC ATAXIA AND SPASTICITY. Identifiers: Orphanet 53583, MedGen C1832855, MONDO:0010983, OMIM 601042.

Submissions (2):

GeneDx
Classification: Uncertain significance. Last evaluated: 2024-09-04. Review status: criteria provided, single submitter. Criteria: GeneDx Variant Classification Process June 2021. Collection method: clinical testing. Allele origin: germline. Affected: yes.
Comment: Not observed at significant frequency in large population cohorts (gnomAD); In silico analysis supports that this missense variant has a deleterious effect on protein structure/function; Has not been previously published as pathogenic or benign to our knowledge

Baylor Genetics
Classification: Uncertain significance for Dystonia 9. Last evaluated: 2018-01-13. Review status: criteria provided, single submitter. Criteria: ACMG Guidelines, 2015. Collection method: clinical testing. Allele origin: paternal. Affected: yes.
Comment: This variant was determined to be of uncertain significance according to ACMG Guidelines, 2015 [PMID:25741868].

NM_006516.4(SLC2A1):c.1147C>T (p.Pro383Ser)

Gene: SLC2A1 (solute carrier family 2 member 1; minus strand). Cytogenetic location: 1p34.2.
Variant type: single nucleotide variant.
Coding change: c.1147C>T on transcript NM_006516.4 (MANE Select); coding-DNA position 1147, C replaced by T.
Protein change: p.Pro383Ser; replaces proline 383 with serine.
Molecular consequence: missense variant.
Genome position (GRCh38, 1-based): chr1:42,927,736, G>A on the plus strand (C>T on the coding strand, the complement: SLC2A1 is on the minus strand). VCF-style: chr1-42927736-G-A. GRCh37 (hg19) VCF-style: chr1-43393407-G-A.
Other names: short protein forms P383S.
Identifiers: ClinVar variation 1031648 (VCV001031648.2), dbSNP rs1643442833, ClinGen allele CA339954048.
Genomic context (GRCh38, chr1:42,927,736, plus strand): 5'-CAGCTGGACGTGGACCCTGGCTGAAGAGTTCAGCCACGATGAACCATGGGATGGGGCCAG[G>A]ACCCACTTCAAAGAAGGCCACAAAGCCAAAGATGGCCACGATGCTCAGATAGGACATCCA-3'
Protein context (NP_006507.2, residues 373-393): FGFVAFFEVG[Pro383Ser]GPIPWFIVAE